The following is an entry in ClinVar:

ClinVar aggregate classification (germline): Uncertain significance (1 of 4 stars; one submission).

Conditions:
DOCK2 deficiency. Also called: Immunodeficiency 40. Identifiers: Orphanet 447737, MedGen C4225328, MONDO:0014637, OMIM 616433.

Allele frequency attached by ClinVar (database versions not stated): gnomAD exomes below 0.00001; ExAC 0.00001; gnomAD 0.00001; TOPMed 0.00001.
gnomAD v4.1: 4 of 1,613,882 alleles (0.00025%); highest among the groups gnomAD compares: Non-Finnish European, 0.00025%; no homozygotes.

Submissions (2):

Labcorp Genetics (formerly Invitae), Labcorp
Classification: Uncertain significance for DOCK2 deficiency. Last evaluated: 2022-08-16. Review status: criteria provided, single submitter. Criteria: Invitae Variant Classification Sherloc (09022015). Collection method: clinical testing. Allele origin: germline.
Comment: Algorithms developed to predict the effect of missense changes on protein structure and function are either unavailable or do not agree on the potential impact of this missense change (SIFT: "Tolerated"; PolyPhen-2: "Possibly Damaging"; Align-GVGD: "Class C0"). In summary, the available evidence is currently insufficient to determine the role of this variant in disease. Therefore, it has been classified as a Variant of Uncertain Significance. ClinVar contains an entry for this variant (Variation ID: 1474086). This variant has not been reported in the literature in individuals affected with DOCK2-related conditions. This variant is present in population databases (rs765316029, gnomAD 0.0009%). This sequence change replaces arginine, which is basic and polar, with threonine, which is neutral and polar, at codon 1002 of the DOCK2 protein (p.Arg1002Thr).

Dr. Peter K. Rogan Lab, Western University
No classification provided (evidence only). Condition: Lung cancer. Review status: no classification provided. Collection method: in vitro. Allele origin: not applicable. Functional consequence: retained intron. Not counted in ClinVar's aggregate classification.

NM_004946.3(DOCK2):c.3005G>C (p.Arg1002Thr)

Gene: DOCK2 (dedicator of cytokinesis 2; plus strand). Cytogenetic location: 5q35.1.
Variant type: single nucleotide variant.
Coding change: c.3005G>C on transcript NM_004946.3 (MANE Select); coding-DNA position 3005, G replaced by C.
Protein change: p.Arg1002Thr; replaces arginine 1002 with threonine.
Molecular consequence: missense variant. On other transcripts: non-coding transcript variant (1).
Genome position (GRCh38, 1-based): chr5:169,996,097, G>C. VCF-style: chr5-169996097-G-C. GRCh37 (hg19) VCF-style: chr5-169423101-G-C.
Other names: short protein forms R1002T.
Identifiers: ClinVar variation 1474086 (VCV001474086.9), dbSNP rs765316029, ClinGen allele CA3554072.
Genomic context (GRCh38, chr5:169,996,097, plus strand): 5'-CTTAAGGGATCATGCTCAGACAGTCTGGTAATTTTCTGCCCTCTTCCAGGGTCTTCCTGA[G>C]AGCTATCAACAAGTTTGCAGAAACCATGAACCAGAAGTTCCTAGAACACACGAACTTTGA-3'
Protein context (NP_004937.1, residues 992-1012): MSMVQNRVFL[Arg1002Thr]AINKFAETMN